The following is an entry in ClinVar:

NM_001197104.2(KMT2A):c.3980C>T (p.Pro1327Leu)

Gene: KMT2A (lysine methyltransferase 2A; plus strand). Cytogenetic location: 11q23.3.
Variant type: single nucleotide variant.
Coding change: c.3980C>T on transcript NM_001197104.2 (MANE Select); coding-DNA position 3980, C replaced by T.
Protein change: p.Pro1327Leu; replaces proline 1327 with leucine.
Molecular consequence: missense variant.
Genome position (GRCh38, 1-based): chr11:118,482,060, C>T. VCF-style: chr11-118482060-C-T. GRCh37 (hg19) VCF-style: chr11-118352775-C-T.
Other names: c.3980C>T (NM_001197104.1); c.3980C>T, p.Pro1327Leu (NM_005933.4); short protein forms P1327L.
Identifiers: ClinVar variation 1523545 (VCV001523545.8), dbSNP rs1950142752, ClinGen allele CA382828574.

ClinVar aggregate classification (germline): Uncertain significance. Review status: criteria provided, multiple submitters, no conflicts (2 of 4 stars). 2 submissions from 2 submitters: Uncertain significance (2). Last evaluated 2024-10-23.

Allele frequency attached by ClinVar (database versions not stated): gnomAD exomes 0.00001.
gnomAD v4.1: 4 of 1,610,360 alleles (0.00025%); highest among the groups gnomAD compares: East Asian, 0.0089%; no homozygotes.

Submissions (2):

Labcorp Genetics (formerly Invitae), Labcorp
Classification: Uncertain significance. Last evaluated: 2024-10-23. Review status: criteria provided, single submitter. Criteria: Invitae Variant Classification Sherloc (09022015). Collection method: clinical testing. Allele origin: germline.
Comment: This sequence change replaces proline, which is neutral and non-polar, with leucine, which is neutral and non-polar, at codon 1327 of the KMT2A protein (p.Pro1327Leu). This variant is not present in population databases (gnomAD no frequency). This variant has not been reported in the literature in individuals affected with KMT2A-related conditions. ClinVar contains an entry for this variant (Variation ID: 1523545). Invitae Evidence Modeling of protein sequence and biophysical properties (such as structural, functional, and spatial information, amino acid conservation, physicochemical variation, residue mobility, and thermodynamic stability) has been performed for this missense variant. However, the output from this modeling did not meet the statistical confidence thresholds required to predict the impact of this variant on KMT2A protein function. In summary, the available evidence is currently insufficient to determine the role of this variant in disease. Therefore, it has been classified as a Variant of Uncertain Significance.

Greenwood Genetic Center Diagnostic Laboratories, Greenwood Genetic Center
Classification: Uncertain significance. Last evaluated: 2023-01-31. Review status: criteria provided, single submitter. Criteria: ACMG Guidelines, 2015. Collection method: clinical testing. Allele origin: germline. Affected: yes.
Comment: PM2, PP2